The following is an entry in ClinVar:

NM_005477.3(HCN4):c.3397G>A (p.Gly1133Arg)

Gene: HCN4 (hyperpolarization activated cyclic nucleotide gated potassium channel 4; minus strand). Cytogenetic location: 15q24.1.
Variant type: single nucleotide variant.
Coding change: c.3397G>A on transcript NM_005477.3 (MANE Select); coding-DNA position 3397, G replaced by A.
Protein change: p.Gly1133Arg; replaces glycine 1133 with arginine.
Molecular consequence: missense variant.
Genome position (GRCh38, 1-based): chr15:73,322,696, C>T on the plus strand (G>A on the coding strand, the complement: HCN4 is on the minus strand). VCF-style: chr15-73322696-C-T. GRCh37 (hg19) VCF-style: chr15-73615037-C-T.
Other names: short protein forms G1133R.
Identifiers: ClinVar variation 945339 (VCV000945339.11), dbSNP rs532186403, ClinGen allele CA7648835.
Genomic context (GRCh38, chr15:73,322,696, plus strand): 5'-GCAGAGTGACGTGCTGGCCGGGGATGGCACCATAGGGCCTCCCAGGGGGACCGAGGCCCC[C>T]GCTGCTCCCACTGCCCCCGCTGCCACCCCCAGCCCTGGGGAAGAGCGGGAAGGCAGCCAT-3'
Protein context (NP_005468.1, residues 1123-1143): GGGSGGSGSS[Gly1133Arg]GLGPPGRPYG

ClinVar aggregate classification (germline): Uncertain significance. Review status: criteria provided, multiple submitters, no conflicts (2 of 4 stars). 2 submissions from 2 submitters: Uncertain significance (2). Last evaluated 2026-01-04.

Conditions:
Cardiovascular phenotype. Identifiers: MedGen CN230736.
Brugada syndrome 8 (BRGDA8). Identifiers: Orphanet 130, MedGen C2751083, MONDO:0013148, OMIM 613123.

gnomAD v4.1: 7 of 1,579,212 alleles (0.00044%); highest among the groups gnomAD compares: Non-Finnish European, 0.00043%; no homozygotes.

Submissions (2):

Labcorp Genetics (formerly Invitae), Labcorp
Classification: Uncertain significance for Brugada syndrome 8. Last evaluated: 2026-01-04. Review status: criteria provided, single submitter. Criteria: Invitae Variant Classification Sherloc (09022015). Collection method: clinical testing. Allele origin: germline.
Comment: This sequence change replaces glycine, which is neutral and non-polar, with arginine, which is basic and polar, at codon 1133 of the HCN4 protein (p.Gly1133Arg). This variant is present in population databases (rs532186403, gnomAD 0.005%). This variant has not been reported in the literature in individuals affected with HCN4-related conditions. ClinVar contains an entry for this variant (Variation ID: 945339). Invitae Evidence Modeling of protein sequence and biophysical properties (such as structural, functional, and spatial information, amino acid conservation, physicochemical variation, residue mobility, and thermodynamic stability) has been performed for this missense variant. However, the output from this modeling did not meet the statistical confidence thresholds required to predict the impact of this variant on HCN4 protein function. In summary, the available evidence is currently insufficient to determine the role of this variant in disease. Therefore, it has been classified as a Variant of Uncertain Significance.

Ambry Genetics
Classification: Uncertain significance for Cardiovascular phenotype. Last evaluated: 2021-06-25. Review status: criteria provided, single submitter. Criteria: Ambry Variant Classification Scheme 2023. Collection method: clinical testing. Allele origin: germline.
Comment: The p.G1133R variant (also known as c.3397G>A), located in coding exon 8 of the HCN4 gene, results from a G to A substitution at nucleotide position 3397. The glycine at codon 1133 is replaced by arginine, an amino acid with dissimilar properties. This amino acid position is conserved. In addition, the in silico prediction for this alteration is inconclusive. Since supporting evidence is limited at this time, the clinical significance of this alteration remains unclear.